The following is an entry in ClinVar:

NM_001371928.1(AHDC1):c.1762C>T (p.Arg588Trp)

Gene: AHDC1 (AT-hook DNA binding motif containing 1; minus strand). Cytogenetic location: 1p36.11.
Variant type: single nucleotide variant.
Coding change: c.1762C>T on transcript NM_001371928.1 (MANE Select); coding-DNA position 1762, C replaced by T.
Protein change: p.Arg588Trp; replaces arginine 588 with tryptophan.
Molecular consequence: missense variant.
Genome position (GRCh38, 1-based): chr1:27,550,354, G>A on the plus strand (C>T on the coding strand, the complement: AHDC1 is on the minus strand). VCF-style: chr1-27550354-G-A. GRCh37 (hg19) VCF-style: chr1-27876865-G-A.
Other names: c.1762C>T, p.Arg588Trp (NM_001029882.3); short protein forms R588W.
Identifiers: ClinVar variation 3009291 (VCV003009291.3), dbSNP rs2019468669, ClinGen allele CA339233404.

ClinVar aggregate classification (germline): Uncertain significance (1 of 4 stars; one submission).

Allele frequency attached by ClinVar (database versions not stated): gnomAD 0.00001.
gnomAD v4.1: 11 of 1,614,000 alleles (0.00068%); highest among the groups gnomAD compares: Non-Finnish European, 0.00093%; no homozygotes.

Submission:

Labcorp Genetics (formerly Invitae), Labcorp
Classification: Uncertain significance. Last evaluated: 2023-06-25. Review status: criteria provided, single submitter. Criteria: Invitae Variant Classification Sherloc (09022015). Collection method: clinical testing. Allele origin: germline.
Comment: In summary, the available evidence is currently insufficient to determine the role of this variant in disease. Therefore, it has been classified as a Variant of Uncertain Significance. An algorithm developed to predict the effect of missense changes on protein structure and function (PolyPhen-2) suggests that this variant is likely to be disruptive. This variant has not been reported in the literature in individuals affected with AHDC1-related conditions. This variant is not present in population databases (gnomAD no frequency). This sequence change replaces arginine, which is basic and polar, with tryptophan, which is neutral and slightly polar, at codon 588 of the AHDC1 protein (p.Arg588Trp).